The following is an entry in ClinVar:

ClinVar aggregate classification (germline): Uncertain significance (1 of 4 stars; one submission).

Conditions:
Familial hypocalciuric hypercalcemia (FHH). Also called: Familial benign hypercalcemia. Identifiers: Orphanet 405, MedGen C1809471, MONDO:0018458.
Autosomal dominant hypocalcemia 1 (HYPOC1). Also called: HYPOCALCEMIA, FAMILIAL. Identifiers: MedGen C3715128, MONDO:0011013, OMIM 601198.

Submission:

Labcorp Genetics (formerly Invitae), Labcorp
Classification: Uncertain significance for Familial hypocalciuric hypercalcemia; Autosomal dominant hypocalcemia 1. Last evaluated: 2024-03-07. Review status: criteria provided, single submitter. Criteria: Invitae Variant Classification Sherloc (09022015). Collection method: clinical testing. Allele origin: germline.
Comment: This sequence change replaces phenylalanine, which is neutral and non-polar, with cysteine, which is neutral and slightly polar, at codon 522 of the CASR protein (p.Phe522Cys). This variant is not present in population databases (gnomAD no frequency). This variant has not been reported in the literature in individuals affected with CASR-related conditions. ClinVar contains an entry for this variant (Variation ID: 1935750). An algorithm developed to predict the effect of missense changes on protein structure and function (PolyPhen-2) suggests that this variant is likely to be disruptive. In summary, the available evidence is currently insufficient to determine the role of this variant in disease. Therefore, it has been classified as a Variant of Uncertain Significance.

NM_000388.4(CASR):c.1565T>G (p.Phe522Cys)

Gene: CASR (calcium sensing receptor; plus strand). Cytogenetic location: 3q21.1.
Variant type: single nucleotide variant.
Coding change: c.1565T>G on transcript NM_000388.4 (MANE Select); coding-DNA position 1565, T replaced by G.
Protein change: p.Phe522Cys; replaces phenylalanine 522 with cysteine.
Molecular consequence: missense variant.
Genome position (GRCh38, 1-based): chr3:122,275,999, T>G. VCF-style: chr3-122275999-T-G. GRCh37 (hg19) VCF-style: chr3-121994846-T-G.
Other names: c.1565T>G, p.Phe522Cys (NM_001178065.2); short protein forms F522C.
Identifiers: ClinVar variation 1935750 (VCV001935750.5), dbSNP rs2473258416, ClinGen allele CA354155452.